The following is an entry in ClinVar:

NM_000465.4(BARD1):c.1532A>C (p.Lys511Thr)

Gene: BARD1 (BRCA1 associated RING domain 1; minus strand). Cytogenetic location: 2q35.
Variant type: single nucleotide variant.
Coding change: c.1532A>C on transcript NM_000465.4 (MANE Select); coding-DNA position 1532, A replaced by C.
Protein change: p.Lys511Thr; replaces lysine 511 with threonine.
Molecular consequence: missense variant. On other transcripts: non-coding transcript variant (3), intron variant (3).
Genome position (GRCh38, 1-based): chr2:214,767,518, T>G on the plus strand (A>C on the coding strand, the complement: BARD1 is on the minus strand). VCF-style: chr2-214767518-T-G. GRCh37 (hg19) VCF-style: chr2-215632242-T-G.
Other names: c.1475A>C, p.Lys492Thr (NM_001282543.2); c.159-14963A>C (NM_001282548.2); c.216-14963A>C (NM_001282545.2); c.364+24779A>C (NM_001282549.2); short protein forms K492T, K511T.
Identifiers: ClinVar variation 1415281 (VCV001415281.10), dbSNP rs2106076398, ClinGen allele CA350448215.

ClinVar aggregate classification (germline): Uncertain significance. Review status: criteria provided, multiple submitters, no conflicts (2 of 4 stars). 3 submissions from 3 submitters: Uncertain significance (3). Last evaluated 2023-12-14.

Conditions:
Hereditary cancer-predisposing syndrome. Also called: Hereditary Cancer Syndrome; Tumor predisposition; Hereditary neoplastic syndrome; Neoplastic Syndromes, Hereditary. Identifiers: Orphanet 140162, MedGen C0027672, MeSH D009386, MONDO:0015356.
Familial cancer of breast. Also called: BREAST CANCER, FAMILIAL; Hereditary breast cancer; hereditary breast carcinoma. Identifiers: Orphanet 227535, MedGen C0346153, MONDO:0016419, OMIM 114480. Disease mechanism: loss of function.

Allele frequency attached by ClinVar (database versions not stated): gnomAD exomes below 0.00001.
gnomAD v4.1: 1 of 1,614,012 alleles (0.000062%); highest among the groups gnomAD compares: South Asian, 0.0011%; no homozygotes.

Submissions (3):

Ambry Genetics
Classification: Uncertain significance for Hereditary cancer-predisposing syndrome. Last evaluated: 2023-12-14. Review status: criteria provided, single submitter. Criteria: Ambry Variant Classification Scheme 2023. Collection method: clinical testing. Allele origin: germline.
Comment: The p.K511T variant (also known as c.1532A>C), located in coding exon 6 of the BARD1 gene, results from an A to C substitution at nucleotide position 1532. The lysine at codon 511 is replaced by threonine, an amino acid with similar properties. This amino acid position is not well conserved in available vertebrate species. In addition, this alteration is predicted to be tolerated by in silico analysis. Since supporting evidence is limited at this time, the clinical significance of this alteration remains unclear.

Baylor Genetics
Classification: Uncertain significance for Familial cancer of breast. Last evaluated: 2023-11-05. Review status: criteria provided, single submitter. Criteria: ACMG Guidelines, 2015. Collection method: clinical testing. Allele origin: unknown.

Labcorp Genetics (formerly Invitae), Labcorp
Classification: Uncertain significance for Familial cancer of breast. Last evaluated: 2021-12-09. Review status: criteria provided, single submitter. Criteria: Invitae Variant Classification Sherloc (09022015). Collection method: clinical testing. Allele origin: germline.
Comment: In summary, the available evidence is currently insufficient to determine the role of this variant in disease. Therefore, it has been classified as a Variant of Uncertain Significance. Algorithms developed to predict the effect of missense changes on protein structure and function are either unavailable or do not agree on the potential impact of this missense change (SIFT: "Deleterious"; PolyPhen-2: "Possibly Damaging"; Align-GVGD: "Class C0"). This variant has not been reported in the literature in individuals affected with BARD1-related conditions. This variant is not present in population databases (gnomAD no frequency). This sequence change replaces lysine, which is basic and polar, with threonine, which is neutral and polar, at codon 511 of the BARD1 protein (p.Lys511Thr).